The following is an entry in ClinVar:

ClinVar aggregate classification (germline): Uncertain significance. Review status: criteria provided, multiple submitters, no conflicts (2 of 4 stars). 3 submissions from 3 submitters: Uncertain significance (3). Last evaluated 2025-12-04.

Conditions:
Inborn genetic diseases. Identifiers: MedGen C0950123, MeSH D030342.
Charcot-Marie-Tooth disease recessive intermediate C. Also called: CHARCOT-MARIE-TOOTH NEUROPATHY, RECESSIVE INTERMEDIATE C. Identifiers: Orphanet 369867, MedGen C3809309, MONDO:0014154, OMIM 615376.
Neuronopathy, distal hereditary motor, autosomal recessive 4. Also called: Autosomal recessive lower motor neuron disease with childhood onset; NEUROPATHY, DISTAL HEREDITARY MOTOR, AUTOSOMAL RECESSIVE 4. Identifiers: Orphanet 206580, MedGen C1970211, MONDO:0012608, OMIM 611067.

Allele frequency attached by ClinVar (database versions not stated): gnomAD 0.00001; gnomAD exomes 0.00001 and 0.00002; ExAC 0.00002; TOPMed 0.00005.
gnomAD v4.1: 14 of 1,613,866 alleles (0.00087%); highest among the groups gnomAD compares: Admixed American, 0.012%; no homozygotes.

Submissions (3):

Ambry Genetics
Classification: Uncertain significance for Inborn genetic diseases. Last evaluated: 2025-12-04. Review status: criteria provided, single submitter. Criteria: Ambry Variant Classification Scheme 2023. Collection method: clinical testing. Allele origin: germline.

Labcorp Genetics (formerly Invitae), Labcorp
Classification: Uncertain significance for Neuronopathy, distal hereditary motor, autosomal recessive 4; Charcot-Marie-Tooth disease recessive intermediate C. Last evaluated: 2022-06-16. Review status: criteria provided, single submitter. Criteria: Invitae Variant Classification Sherloc (09022015). Collection method: clinical testing. Allele origin: germline.
Comment: This sequence change replaces glutamic acid, which is acidic and polar, with lysine, which is basic and polar, at codon 305 of the PLEKHG5 protein (p.Glu305Lys). This variant is present in population databases (rs750943470, gnomAD 0.009%). This variant has not been reported in the literature in individuals affected with PLEKHG5-related conditions. ClinVar contains an entry for this variant (Variation ID: 450944). Algorithms developed to predict the effect of missense changes on protein structure and function (SIFT, PolyPhen-2, Align-GVGD) all suggest that this variant is likely to be tolerated. In summary, the available evidence is currently insufficient to determine the role of this variant in disease. Therefore, it has been classified as a Variant of Uncertain Significance.

GeneDx
Classification: Uncertain significance. Last evaluated: 2017-07-27. Review status: criteria provided, single submitter. Criteria: GeneDx Variant Classification (06012015). Collection method: clinical testing. Allele origin: germline. Affected: yes.
Comment: The E305K variant has not been published as a pathogenic variant, nor has it been reported as a benign variant to our knowledge. The E305K variant is not observed at a significant frequency in large population cohorts (Lek et al., 2016; 1000 Genomes Consortium et al., 2015; Exome Variant Server). This variant is a non-conservative amino acid substitution, which is likely to impact secondary protein structure as these residues differ in polarity, charge, size and/or other properties. This substitution occurs at a position that is conserved in mammals; however, missense variants in nearby residues have not been reported in the Human Gene Mutation Database in association with PLEKHG5-related disorders (Stenson et al., 2014). In silico analysis is inconsistent in its predictions as to whether or not the variant is damaging to the protein structure/function.

NM_020631.6(PLEKHG5):c.913G>A (p.Glu305Lys)

Gene: PLEKHG5 (pleckstrin homology and RhoGEF domain containing G5; minus strand). Cytogenetic location: 1p36.31.
Variant type: single nucleotide variant.
Coding change: c.913G>A on transcript NM_020631.6 (MANE Select); coding-DNA position 913, G replaced by A.
Protein change: p.Glu305Lys; replaces glutamic acid 305 with lysine.
Molecular consequence: missense variant.
Genome position (GRCh38, 1-based): chr1:6,473,057, C>T on the plus strand (G>A on the coding strand, the complement: PLEKHG5 is on the minus strand). VCF-style: chr1-6473057-C-T. GRCh37 (hg19) VCF-style: chr1-6533117-C-T.
Other names: c.1024G>A, p.Glu342Lys (NM_001042663.3, NM_001265592.2); c.913G>A, p.Glu305Lys (NM_001042664.2, NM_001042665.2, NM_001265594.3 and 1 more transcripts); c.1120G>A, p.Glu374Lys (NM_001265593.2); short protein forms E305K, E374K, E342K.
Identifiers: ClinVar variation 450944 (VCV000450944.5), dbSNP rs750943470, ClinGen allele CA561713.